The following is an entry in ClinVar:

ClinVar aggregate classification (germline): Uncertain significance. Review status: criteria provided, multiple submitters, no conflicts (2 of 4 stars). 2 submissions from 2 submitters: Uncertain significance (2). Last evaluated 2026-01-12.

Conditions:
Dyschromatosis universalis hereditaria 3 (DUH3). Identifiers: MedGen C3809394, MONDO:0014169, OMIM 615402.

Allele frequency attached by ClinVar (database versions not stated): TOPMed 0.00005; ExAC 0.00007; gnomAD 0.00007; gnomAD exomes 0.00007; ESP Exome Variant Server 0.00008; 1000 Genomes Project 30x 0.00016; 1000 Genomes Project 0.00020.
gnomAD v4.1: 115 of 1,614,180 alleles (0.0071%); highest among the groups gnomAD compares: Middle Eastern, 0.066%; 1 homozygote.

Submissions (2):

Labcorp Genetics (formerly Invitae), Labcorp
Classification: Uncertain significance. Last evaluated: 2026-01-12. Review status: criteria provided, single submitter. Criteria: Invitae Variant Classification Sherloc (09022015). Collection method: clinical testing. Allele origin: germline.
Comment: This sequence change replaces phenylalanine, which is neutral and non-polar, with serine, which is neutral and polar, at codon 565 of the ABCB6 protein (p.Phe565Ser). This variant is present in population databases (rs201713868, gnomAD 0.03%). This variant has not been reported in the literature in individuals affected with ABCB6-related conditions. ClinVar contains an entry for this variant (Variation ID: 2054878). An algorithm developed to predict the effect of missense changes on protein structure and function (PolyPhen-2) suggests that this variant is likely to be disruptive. In summary, the available evidence is currently insufficient to determine the role of this variant in disease. Therefore, it has been classified as a Variant of Uncertain Significance.

Department of Pathology and Laboratory Medicine, Sinai Health System
Classification: Uncertain significance for dyschromatosis universalis hereditaria 3. Last evaluated: 2023-05-09. Review status: criteria provided, single submitter. Criteria: ACMG Guidelines, 2015. Collection method: research. Allele origin: germline.

NM_005689.4(ABCB6):c.1694T>C (p.Phe565Ser)

Gene: ABCB6 (ATP binding cassette subfamily B member 6 (LAN blood group); minus strand). Cytogenetic location: 2q35.
Variant type: single nucleotide variant.
Coding change: c.1694T>C on transcript NM_005689.4 (MANE Select); coding-DNA position 1694, T replaced by C.
Protein change: p.Phe565Ser; replaces phenylalanine 565 with serine.
Molecular consequence: missense variant.
Genome position (GRCh38, 1-based): chr2:219,213,464, A>G on the plus strand (T>C on the coding strand, the complement: ABCB6 is on the minus strand). VCF-style: chr2-219213464-A-G. GRCh37 (hg19) VCF-style: chr2-220078186-A-G.
Other names: c.1556T>C, p.Phe519Ser (NM_001349828.2); short protein forms F519S, F565S.
Identifiers: ClinVar variation 2054878 (VCV002054878.5), dbSNP rs201713868, ClinGen allele CA2119274.